The following is an entry in ClinVar:

ClinVar aggregate classification (germline): Conflicting classifications of pathogenicity. Review status: criteria provided, conflicting classifications (1 of 4 stars). 4 submissions from 4 submitters: Uncertain significance (2); Likely benign (2). Last evaluated 2025-11-25.

Conditions:
Tuberous sclerosis syndrome (TSC). Also called: Tuberous Sclerosis Complex; Tuberous sclerosis. Identifiers: Orphanet 805, MedGen C0041341, MONDO:0001734.
Hereditary cancer-predisposing syndrome. Also called: Neoplastic Syndromes, Hereditary; Hereditary neoplastic syndrome; Tumor predisposition; Hereditary Cancer Syndrome. Identifiers: Orphanet 140162, MedGen C0027672, MeSH D009386, MONDO:0015356.
Tuberous sclerosis 1 (TSC1). Identifiers: Orphanet 805, MedGen C1854465, MONDO:0008612, OMIM 191100.

Allele frequency attached by ClinVar (database versions not stated): gnomAD exomes below 0.00001; gnomAD 0.00001; TOPMed 0.00001.
gnomAD v4.1: 2 of 1,614,032 alleles (0.00012%); highest among the groups gnomAD compares: East Asian, 0.0045%; no homozygotes.

Submissions (4):

Ambry Genetics
Classification: Likely benign for Hereditary cancer-predisposing syndrome. Last evaluated: 2025-11-25. Review status: criteria provided, single submitter. Criteria: Ambry Variant Classification Scheme 2023. Collection method: clinical testing. Allele origin: germline.

Labcorp Genetics (formerly Invitae), Labcorp
Classification: Likely benign for Tuberous sclerosis 1. Last evaluated: 2025-10-18. Review status: criteria provided, single submitter. Criteria: Invitae Variant Classification Sherloc (09022015). Collection method: clinical testing. Allele origin: germline.

Color Diagnostics, LLC DBA Color Health
Classification: Uncertain significance for Tuberous sclerosis syndrome. Last evaluated: 2025-06-12. Review status: criteria provided, single submitter. Criteria: ACMG Guidelines, 2015. Collection method: clinical testing. Allele origin: germline.
Comment: This missense variant replaces serine with phenylalanine at codon 524 of the TSC1 protein. Computational prediction is inconclusive regarding the impact of this variant on protein structure and function. To our knowledge, functional studies have not been reported for this variant. This variant has not been reported in individuals affected with TSC1-related disorders in the literature. This variant has been identified in 1/31376 chromosomes in the general population by the Genome Aggregation Database (gnomAD). The available evidence is insufficient to determine the role of this variant in disease conclusively. Therefore, this variant is classified as a Variant of Uncertain Significance.

Genome-Nilou Lab
Classification: Uncertain significance for Tuberous sclerosis 1. Last evaluated: 2021-11-07. Review status: criteria provided, single submitter. Criteria: ACMG Guidelines, 2015. Collection method: clinical testing. Allele origin: germline. Affected: no.

NM_000368.5(TSC1):c.1571C>T (p.Ser524Phe)

Gene: TSC1 (TSC complex subunit 1; minus strand). Cytogenetic location: 9q34.13.
Variant type: single nucleotide variant.
Coding change: c.1571C>T on transcript NM_000368.5 (MANE Select); coding-DNA position 1571, C replaced by T.
Protein change: p.Ser524Phe; replaces serine 524 with phenylalanine.
Molecular consequence: missense variant.
Genome position (GRCh38, 1-based): chr9:132,906,007, G>A on the plus strand (C>T on the coding strand, the complement: TSC1 is on the minus strand). VCF-style: chr9-132906007-G-A. GRCh37 (hg19) VCF-style: chr9-135781394-G-A.
Other names: c.1568C>T, p.Ser523Phe (NM_001162426.2); c.1418C>T, p.Ser473Phe (NM_001162427.2); c.1208C>T, p.Ser403Phe (NM_001362177.2); short protein forms S524F, S403F, S523F, S473F.
Identifiers: ClinVar variation 534427 (VCV000534427.16), dbSNP rs1276296733, ClinGen allele CA375365031.
Genomic context (GRCh38, chr9:132,906,007, plus strand): 5'-CCAAGCTTGTCCAGGGAGGAGTGTAAAGGCTCAGGGTTCACGCTGGCGCCCTGAGAACTG[G>A]AGGCTGCCGAGTGGGTCTTCCGCTGAGAACCTGGGAGACTGTCTCGGTAAAAGGGAGAGT-3'
Protein context (NP_000359.1, residues 514-534): GSQRKTHSAA[Ser524Phe]SSQGASVNPE